The following is an entry in ClinVar:

ClinVar aggregate classification (germline): Likely benign. Review status: criteria provided, single submitter (1 of 4 stars). 2 submissions from 2 submitters: Likely benign (1). 1 of the submissions does not count toward it. Last evaluated 2026-07-01.

Conditions:
MAP1B-related disorder. Also called: MAP1B-related condition.

Allele frequency attached by ClinVar (database versions not stated): gnomAD 0.00017; gnomAD exomes 0.00049; TOPMed 0.00060; 1000 Genomes Project 0.00080; ExAC 0.00082; 1000 Genomes Project 30x 0.00094.
gnomAD v4.1: 323 of 1,614,164 alleles (0.02%); highest among the groups gnomAD compares: Admixed American, 0.53%; 2 homozygotes.

Submissions (2):

CeGaT Center for Human Genetics Tuebingen
Classification: Likely benign. Last evaluated: 2026-07-01. Review status: criteria provided, single submitter. Criteria: CeGaT Center For Human Genetics Tuebingen Variant Classification Criteria Version 2. Collection method: clinical testing. Allele origin: germline. Affected: yes. Observed: 4 variant alleles.
Comment: MAP1B: BS1

PreventionGenetics, part of Exact Sciences
Classification: Benign for MAP1B-related condition. Last evaluated: 2019-08-13. Review status: no assertion criteria provided. Collection method: clinical testing. Allele origin: germline. Not counted in ClinVar's aggregate classification.
Comment: This variant is classified as benign based on ACMG/AMP sequence variant interpretation guidelines (Richards et al. 2015 PMID: 25741868, with internal and published modifications).

NM_005909.5(MAP1B):c.3955G>A (p.Glu1319Lys)

Gene: MAP1B (microtubule associated protein 1B; plus strand). Cytogenetic location: 5q13.2.
Variant type: single nucleotide variant.
Coding change: c.3955G>A on transcript NM_005909.5 (MANE Select); coding-DNA position 3955, G replaced by A.
Protein change: p.Glu1319Lys; replaces glutamic acid 1319 with lysine.
Molecular consequence: missense variant.
Genome position (GRCh38, 1-based): chr5:72,197,310, G>A. VCF-style: chr5-72197310-G-A. GRCh37 (hg19) VCF-style: chr5-71493137-G-A.
Other names: c.3577G>A, p.Glu1193Lys (NM_001324255.2); short protein forms E1193K, E1319K.
Identifiers: ClinVar variation 3052583 (VCV003052583.6), dbSNP rs148344575, ClinGen allele CA3299081.